The following is an entry in ClinVar:

ClinVar aggregate classification (germline): Likely pathogenic. Review status: criteria provided, multiple submitters, no conflicts (2 of 4 stars). 2 submissions from 2 submitters: Likely pathogenic (2). Last evaluated 2025-04-25.

Conditions:
Epidermolysis bullosa dystrophica. Also called: Dystrophic epidermolysis bullosa, Hallopeau-Siemens type (formerly); Dystrophic epidermolysis bullosa. Identifiers: Orphanet 303, MedGen C0079294, MONDO:0006543.

Submissions (2):

Natera, Inc.
Classification: Likely pathogenic for Dystrophic epidermolysis bullosa. Last evaluated: 2025-04-25. Review status: criteria provided, single submitter. Criteria: Natera Variant Classification Schema (03/2026). Collection method: clinical testing. Allele origin: germline.
Comment: The c.4519-2A>C variant in COL7A1 is a canonical splice acceptor site variant predicted to affect pre-mRNA splicing, which may result in an abnormal transcript and altered protein product. This variant is expected to result in nonsense mediated decay, truncation, or a dysfunctional protein product. This variant is rare in the general population with a frequency below the threshold expected for the associated phenotype(s). Given the available evidence, this variant is classified as Likely Pathogenic.

Labcorp Genetics (formerly Invitae), Labcorp
Classification: Likely pathogenic. Last evaluated: 2021-12-23. Review status: criteria provided, single submitter. Criteria: Invitae Variant Classification Sherloc (09022015). Collection method: clinical testing. Allele origin: germline.
Comment: This variant has not been reported in the literature in individuals affected with COL7A1-related conditions. Algorithms developed to predict the effect of sequence changes on RNA splicing suggest that this variant may disrupt the consensus splice site. In summary, the currently available evidence indicates that the variant is pathogenic, but additional data are needed to prove that conclusively. Therefore, this variant has been classified as Likely Pathogenic. This variant is not present in population databases (gnomAD no frequency). This sequence change affects an acceptor splice site in intron 43 of the COL7A1 gene. It is expected to disrupt splicing. Variants that disrupt the donor or acceptor splice site typically lead to a loss of protein function (PMID: 16199547), and loss-of-function variants in COL7A1 are known to be disease-causing for autosomal recessive dystrophic epidermolysis bullosa (PMID: 16971478). However, certain variants affecting donor or acceptor splice sites in the triple helical domain of COL7A1 are expected to result in in-frame exon skipping and have been reported to cause autosomal dominant dystrophic epidermolysis bullosa (PMID: 31670143).

Literature cited by the submitters: PubMed 16199547 (cited by Labcorp Genetics (formerly Invitae), Labcorp); PubMed 16971478 (cited by Labcorp Genetics (formerly Invitae), Labcorp); PubMed 31670143 (cited by Labcorp Genetics (formerly Invitae), Labcorp).

NM_000094.4(COL7A1):c.4519-2A>C

Gene: COL7A1 (collagen type VII alpha 1 chain; minus strand). Cytogenetic location: 3p21.31.
Variant type: single nucleotide variant.
Coding change: c.4519-2A>C on transcript NM_000094.4 (MANE Select); the canonical splice acceptor site of the intron before coding-DNA position 4519, A replaced by C.
Molecular consequence: splice acceptor variant.
Genome position (GRCh38, 1-based): chr3:48,582,655, T>G on the plus strand (A>C on the coding strand, the complement: COL7A1 is on the minus strand). VCF-style: chr3-48582655-T-G. GRCh37 (hg19) VCF-style: chr3-48620088-T-G.
Other names: c.4519-2A>C (NM_000094.3).
Identifiers: ClinVar variation 2054963 (VCV002054963.6), dbSNP rs1654732346, ClinGen allele CA352688951.